The following is an entry in ClinVar:

ClinVar aggregate classification (germline): Pathogenic (1 of 4 stars; one submission).

Conditions:
Hereditary factor VIII deficiency disease (HEMA). Also called: AUTOSOMAL HEMOPHILIA A; Hemophilia A; HEMOPHILIA, CLASSIC; Hemophilia A, congenital; HEM A; Factor 8 deficiency, congenital. Identifiers: Orphanet 98878, MedGen C0019069, MONDO:0010602, OMIM 306700.

Allele frequency attached by ClinVar (database versions not stated): TOPMed 0.00002.

Submission:

ARUP Laboratories, Molecular Genetics and Genomics, ARUP Laboratories
Classification: Pathogenic for Hereditary factor VIII deficiency disease. Last evaluated: 2019-06-28. Review status: criteria provided, single submitter. Criteria: ARUP Molecular Germline Variant Investigation Process. Collection method: clinical testing. Allele origin: germline.
Comment: The F8 c.302A>G; p.Asp101Gly variant, also known as p.Asp82Gly, is reported in the literature in several individuals affected with hemophilia A, including at least one with <1% normal clotting activity (Liu 1998, Johnsen 2017). This variant is absent from general population databases (Exome Variant Server, Genome Aggregation Database), indicating it is not a common polymorphism. The aspartate at codon 101 is highly conserved, and computational analyses (SIFT, PolyPhen-2) predict that this variant is deleterious. Additionally, other amino acid substitutions at this codon (p.Asp101His, p.Asp101Val) have been reported in individuals with hemophilia A and are considered disease-causing (Becker 1996, Johnsen 2017, Leuer 2011). Based on available information, the p.Asp101Gly variant is considered to be pathogenic. References: Becker J et al. Characterization of the factor VIII defect in 147 patients with sporadic hemophilia A: family studies indicate a mutation type-dependent sex ratio of mutation frequencies. Am J Hum Genet. 1996 Apr;58(4):657-70. Johnsen JM et al. Novel approach to genetic analysis and results in 3000 hemophilia patients enrolled in the My Life, Our Future initiative. Blood Adv. 2017 May 18;1(13):824-834. Leuer M et al. Somatic mosaicism in hemophilia A: a fairly common event. Am J Hum Genet. 2001 Jul;69(1):75-87. Liu M et al. A domain mutations in 65 haemophilia A families and molecular modelling of dysfunctional factor VIII proteins. Br J Haematol. 1998 Dec;103(4):1051-60.

NM_000132.4(F8):c.302A>G (p.Asp101Gly)

Gene: F8 (coagulation factor VIII; minus strand). Cytogenetic location: Xq28.
Variant type: single nucleotide variant.
Coding change: c.302A>G on transcript NM_000132.4 (MANE Select); coding-DNA position 302, A replaced by G.
Protein change: p.Asp101Gly; replaces aspartic acid 101 with glycine.
Molecular consequence: missense variant.
Genome position (GRCh38, 1-based): chrX:154,997,059, T>C on the plus strand (A>G on the coding strand, the complement: F8 is on the minus strand). VCF-style: chrX-154997059-T-C. GRCh37 (hg19) VCF-style: chrX-154225334-T-C.
Other names: short protein forms D101G.
Identifiers: ClinVar variation 812076 (VCV000812076.8), dbSNP rs1312347909, ClinGen allele CA414920055.